The following is an entry in ClinVar:

ClinVar aggregate classification (germline): Uncertain significance (1 of 4 stars; one submission).

Conditions:
Neurofibromatosis, type 2 (SWNV). Also called: BILATERAL ACOUSTIC NEUROFIBROMATOSIS; NF2-Related Schwannomatosis; SCHWANNOMATOSIS, VESTIBULAR. Identifiers: Orphanet 637, MedGen C0027832, MONDO:0007039, OMIM 101000. Disease mechanism: loss of function.

Submission:

Labcorp Genetics (formerly Invitae), Labcorp
Classification: Uncertain significance for Neurofibromatosis, type 2. Last evaluated: 2025-03-05. Review status: criteria provided, single submitter. Criteria: Invitae Variant Classification Sherloc (09022015). Collection method: clinical testing. Allele origin: germline.
Comment: This sequence change falls in intron 7 of the NF2 gene. It does not directly change the encoded amino acid sequence of the NF2 protein. This variant is not present in population databases (gnomAD no frequency). This variant has not been reported in the literature in individuals affected with NF2-related conditions. Algorithms developed to predict the effect of sequence changes on RNA splicing suggest that this variant may create or strengthen a splice site. In summary, the available evidence is currently insufficient to determine the role of this variant in disease. Therefore, it has been classified as a Variant of Uncertain Significance.

NM_000268.4(NF2):c.676-86_676-85del

Gene: NF2 (NF2, moesin-ezrin-radixin like (MERLIN) tumor suppressor; plus strand). Cytogenetic location: 22q12.2.
Variant type: Deletion.
Coding change: c.676-86_676-85del on transcript NM_000268.4 (MANE Select); 86 bases into the intron before coding-DNA position 676 through 85 bases into the intron before coding-DNA position 676, 2 bases deleted (CA; older notation c.676-86_676-85delCA).
Molecular consequence: intron variant.
Genome position (GRCh38, 1-based): chr22:29,661,119-29,661,120, CA deleted; deleting any 2 consecutive bases within chr22:29,661,118-29,661,120 gives the same sequence; the c. name uses the placement nearest the transcript's 3' end. VCF-style (leftmost placement, unchanged base first): chr22-29661117-GAC-G. GRCh37 (hg19) VCF-style: chr22-30057106-GAC-G.
Other names: c.676-86_676-85del (NM_016418.5, NM_181832.3, NM_001407060.1 and 2 more transcripts); c.562-86_562-85del (NM_001407056.1, NM_001407053.1); c.445-86_445-85del (NM_001407067.1); c.142-86_142-85del (NM_001407065.1); c.675+2855_675+2856del (NM_001407059.1, NM_001407057.1); c.447+18834_447+18835del (NM_181833.3); c.553-86_553-85del (NM_001407058.1, NM_181829.3, NM_001407054.1); c.552+2855_552+2856del (NM_001407062.1); and 2 more.
Identifiers: ClinVar variation 4770143 (VCV004770143.1).